The following is an entry in ClinVar:

ClinVar aggregate classification (germline): Benign/Likely benign. Review status: criteria provided, multiple submitters, no conflicts (2 of 4 stars). 5 submissions from 5 submitters: Benign (4); Likely benign (1). Last evaluated 2024-10-08.

Allele frequency attached by ClinVar (database versions not stated): gnomAD exomes 0.00023 and 0.00065; ExAC 0.00090; gnomAD 0.00256 and 0.00269; 1000 Genomes Project 0.00280; 1000 Genomes Project 30x 0.00297; TOPMed 0.00309; ESP Exome Variant Server 0.00354.
gnomAD v4.1: 735 of 1,614,012 alleles (0.046%); highest among the groups gnomAD compares: African/African-American, 0.89%; 2 homozygotes.

Submissions (5):

Blueprint Genetics
Classification: Likely benign. Last evaluated: 2024-10-08. Review status: criteria provided, single submitter. Criteria: ACMG Guidelines, 2015. Collection method: clinical testing. Allele origin: germline.

Mayo Clinic Laboratories, Mayo Clinic
Classification: Benign. Last evaluated: 2023-09-22. Review status: criteria provided, single submitter. Criteria: ACMG Guidelines, 2015. Collection method: clinical testing. Allele origin: germline. Observed: 2 variant alleles.
Comment: BA1, BP4, BP7

Labcorp Genetics (formerly Invitae), Labcorp
Classification: Benign. Last evaluated: 2018-06-27. Review status: criteria provided, single submitter. Criteria: Invitae Variant Classification Sherloc (09022015). Collection method: clinical testing. Allele origin: germline.

Athena Diagnostics
Classification: Benign. Last evaluated: 2017-04-28. Review status: criteria provided, single submitter. Criteria: Athena Diagnostics Criteria. Collection method: clinical testing. Allele origin: germline.

Breakthrough Genomics
Classification: Benign. Review status: criteria provided, single submitter. Criteria: ACMG Guidelines, 2015. Collection method: not provided. Allele origin: germline. Inheritance: Autosomal recessive inheritance. Affected: yes.

NM_018319.4(TDP1):c.537C>T (p.Asn179=)

Genes: TDP1 (tyrosyl-DNA phosphodiesterase 1; plus strand), LOC126862019 (CDK7 strongly-dependent group 2 enhancer GRCh37_chr14:90429220-90430419; plus strand). Cytogenetic location: 14q32.11.
Variant type: single nucleotide variant.
Coding change: c.537C>T on transcript NM_018319.4 (MANE Select); coding-DNA position 537, C replaced by T.
Protein change: p.Asn179=; no amino-acid change (asparagine 179 retained).
Molecular consequence: synonymous variant.
Genome position (GRCh38, 1-based): chr14:89,963,651, C>T. VCF-style: chr14-89963651-C-T. GRCh37 (hg19) VCF-style: chr14-90429995-C-T.
Other names: p.Asn179=; c.537C>T, p.Asn179= (NM_001008744.2, NM_001330205.2).
Identifiers: ClinVar variation 448656 (VCV000448656.7), dbSNP rs35807866, ClinGen allele CA7303597.